The following is an entry in ClinVar:

NM_000059.4(BRCA2):c.10121C>G (p.Thr3374Ser)

Gene: BRCA2 (BRCA2 DNA repair associated; plus strand). Cytogenetic location: 13q13.1.
Variant type: single nucleotide variant.
Coding change: c.10121C>G on transcript NM_000059.4 (MANE Select); coding-DNA position 10121, C replaced by G.
Protein change: p.Thr3374Ser; replaces threonine 3374 with serine.
Molecular consequence: missense variant.
Genome position (GRCh38, 1-based): chr13:32,398,634, C>G. VCF-style: chr13-32398634-C-G. GRCh37 (hg19) VCF-style: chr13-32972771-C-G.
Other names: short protein forms T3374S.
Identifiers: ClinVar variation 1318978 (VCV001318978.3), dbSNP rs56309455, ClinGen allele CA387768066.

ClinVar aggregate classification (germline): Conflicting classifications of pathogenicity. Review status: criteria provided, conflicting classifications (1 of 4 stars). 2 submissions from 2 submitters: Uncertain significance (1); Likely benign (1). Last evaluated 2026-07-20.

Conditions:
Hereditary cancer-predisposing syndrome. Also called: Hereditary Cancer Syndrome; Neoplastic Syndromes, Hereditary; Hereditary neoplastic syndrome; Tumor predisposition. Identifiers: Orphanet 140162, MedGen C0027672, MeSH D009386, MONDO:0015356.

Submissions (2):

Ambry Genetics
Classification: Likely benign for Hereditary cancer-predisposing syndrome. Last evaluated: 2026-07-20. Review status: criteria provided, single submitter. Criteria: Ambry Variant Classification Scheme 2023. Collection method: clinical testing. Allele origin: germline.

GeneDx
Classification: Uncertain significance. Last evaluated: 2019-08-16. Review status: criteria provided, single submitter. Criteria: GeneDx Variant Classification Process June 2021. Collection method: clinical testing. Allele origin: germline. Affected: yes.
Comment: Not observed in large population cohorts (Lek et al., 2016); In silico analysis, which includes protein predictors and evolutionary conservation, supports that this variant does not alter protein structure/function; Has not been previously published as pathogenic or benign to our knowledge; Also known as 10349C>G; This variant is associated with the following publications: (PMID: 28288110)